The following is an entry in ClinVar:

NM_032776.3(JMJD1C):c.151C>A (p.Arg51Ser)

Genes: JMJD1C (jumonji domain containing 1C; minus strand), JMJD1C-AS1 (JMJD1C antisense RNA 1; plus strand). Cytogenetic location: 10q21.3.
Variant type: single nucleotide variant.
Coding change: c.151C>A on transcript NM_032776.3 (MANE Select); coding-DNA position 151, C replaced by A.
Protein change: p.Arg51Ser; replaces arginine 51 with serine.
Molecular consequence: missense variant. On other transcripts: non-coding transcript variant (1), intron variant (2).
Genome position (GRCh38, 1-based): chr10:63,465,512, G>T on the plus strand (C>A on the coding strand, the complement: JMJD1C is on the minus strand). VCF-style: chr10-63465512-G-T. GRCh37 (hg19) VCF-style: chr10-65225272-G-T.
Other names: c.-384+56226C>A (NM_001322258.2); c.-379+56226C>A (NM_001318154.2); c.151C>A, p.Arg51Ser (NM_001322252.2); short protein forms R51S.
Identifiers: ClinVar variation 4809027 (VCV004809027.1).

ClinVar aggregate classification (germline): Uncertain significance (1 of 4 stars; one submission).

Conditions:
Early Myoclonic Encephalopathy. Identifiers: MedGen C0270855.

gnomAD v4.1: 1 of 1,604,636 alleles (0.000062%); highest among the groups gnomAD compares: Admixed American, 0.0017%; no homozygotes.

Submission:

Labcorp Genetics (formerly Invitae), Labcorp
Classification: Uncertain significance for Early Myoclonic Encephalopathy. Last evaluated: 2025-08-31. Review status: criteria provided, single submitter. Criteria: Invitae Variant Classification Sherloc (09022015). Collection method: clinical testing. Allele origin: germline.
Comment: This sequence change replaces arginine, which is basic and polar, with serine, which is neutral and polar, at codon 51 of the JMJD1C protein (p.Arg51Ser). This variant is not present in population databases (gnomAD no frequency). This variant has not been reported in the literature in individuals affected with JMJD1C-related conditions. An algorithm developed to predict the effect of missense changes on protein structure and function outputs the following: PolyPhen-2: "Benign". The serine amino acid residue is found in multiple mammalian species, which suggests that this missense change does not adversely affect protein function. In summary, the available evidence is currently insufficient to determine the role of this variant in disease. Therefore, it has been classified as a Variant of Uncertain Significance.